The following is an entry in ClinVar:

ClinVar aggregate classification (germline): Uncertain significance. Review status: criteria provided, multiple submitters, no conflicts (2 of 4 stars). 2 submissions from 2 submitters: Uncertain significance (2). Last evaluated 2022-06-04.

Conditions:
Autosomal recessive nonsyndromic hearing loss 28. Identifiers: Orphanet 90636, MedGen C1853276, MONDO:0012355, OMIM 609823.

Allele frequency attached by ClinVar (database versions not stated): gnomAD 0.00001; ExAC 0.00005; gnomAD exomes 0.00005; ESP Exome Variant Server 0.00008.
gnomAD v4.1: 81 of 1,606,720 alleles (0.005%); highest among the groups gnomAD compares: Non-Finnish European, 0.0066%; 1 homozygote.

Submissions (2):

Labcorp Genetics (formerly Invitae), Labcorp
Classification: Uncertain significance. Last evaluated: 2022-06-04. Review status: criteria provided, single submitter. Criteria: Invitae Variant Classification Sherloc (09022015). Collection method: clinical testing. Allele origin: germline.
Comment: This sequence change replaces arginine, which is basic and polar, with lysine, which is basic and polar, at codon 673 of the TRIOBP protein (p.Arg673Lys). This variant is present in population databases (rs370666072, gnomAD 0.01%). This variant has not been reported in the literature in individuals affected with TRIOBP-related conditions. ClinVar contains an entry for this variant (Variation ID: 547924). Algorithms developed to predict the effect of missense changes on protein structure and function output the following: SIFT: "Deleterious"; PolyPhen-2: "Probably Damaging"; Align-GVGD: "Class C0". The lysine amino acid residue is found in multiple mammalian species, which suggests that this missense change does not adversely affect protein function. In summary, the available evidence is currently insufficient to determine the role of this variant in disease. Therefore, it has been classified as a Variant of Uncertain Significance.

Mayo Clinic Laboratories, Mayo Clinic
Classification: Uncertain significance for Autosomal recessive nonsyndromic hearing loss 28. Last evaluated: 2017-01-27. Review status: criteria provided, single submitter. Criteria: ACMG Guidelines, 2015. Collection method: clinical testing. Allele origin: maternal.

NM_001039141.3(TRIOBP):c.2018G>A (p.Arg673Lys)

Gene: TRIOBP (TRIO and F-actin binding protein; plus strand). Cytogenetic location: 22q13.1.
Variant type: single nucleotide variant.
Coding change: c.2018G>A on transcript NM_001039141.3 (MANE Select); coding-DNA position 2018, G replaced by A.
Protein change: p.Arg673Lys; replaces arginine 673 with lysine.
Molecular consequence: missense variant.
Genome position (GRCh38, 1-based): chr22:37,724,574, G>A. VCF-style: chr22-37724574-G-A. GRCh37 (hg19) VCF-style: chr22-38120581-G-A.
Other names: short protein forms R673K.
Identifiers: ClinVar variation 547924 (VCV000547924.6), dbSNP rs370666072, ClinGen allele CA10223762.